The following is an entry in ClinVar:

NM_003743.5(NCOA1):c.1640G>T (p.Gly547Val)

Gene: NCOA1 (nuclear receptor coactivator 1; plus strand). Cytogenetic location: 2p23.3.
Variant type: single nucleotide variant.
Coding change: c.1640G>T on transcript NM_003743.5 (MANE Select); coding-DNA position 1640, G replaced by T.
Protein change: p.Gly547Val; replaces glycine 547 with valine.
Molecular consequence: missense variant.
Genome position (GRCh38, 1-based): chr2:24,707,110, G>T. VCF-style: chr2-24707110-G-T. GRCh37 (hg19) VCF-style: chr2-24929979-G-T.
Other names: c.1640G>T, p.Gly547Val (NM_001362950.1, NM_001362952.1, NM_001362954.1 and 3 more transcripts); short protein forms G547V.
Identifiers: ClinVar variation 2631108 (VCV002631108.4), dbSNP rs1043226139, ClinGen allele CA43630065.

ClinVar aggregate classification (germline): Uncertain significance (1 of 4 stars; one submission).

Conditions:
NCOA1-related disorder. Also called: NCOA1-related condition.

Allele frequency attached by ClinVar (database versions not stated): gnomAD 0.00002; gnomAD exomes 0.00008.
gnomAD v4.1: 122 of 1,613,998 alleles (0.0076%); highest among the groups gnomAD compares: Non-Finnish European, 0.01%; no homozygotes.

Submission:

PreventionGenetics, part of Exact Sciences
Classification: Uncertain significance for NCOA1-related condition. Last evaluated: 2026-01-21. Review status: criteria provided, single submitter. Criteria: ACMG Guidelines, 2015. Collection method: clinical testing. Allele origin: germline.
Comment: The NCOA1 c.1640G>T variant is predicted to result in the amino acid substitution p.Gly547Val. To our knowledge, this variant has not been reported in the literature. This variant is reported in 0.0053% of alleles in individuals of European (Non-Finnish) descent in gnomAD. At this time, the clinical significance of this variant is uncertain due to the absence of conclusive functional and genetic evidence.